The following is an entry in ClinVar:

NM_022489.4(INF2):c.3041-56C>T

Gene: INF2 (inverted formin 2; plus strand). Cytogenetic location: 14q32.33.
Variant type: single nucleotide variant.
Coding change: c.3041-56C>T on transcript NM_022489.4 (MANE Select); 56 bases into the intron before coding-DNA position 3041, C replaced by T.
Molecular consequence: intron variant.
Genome position (GRCh38, 1-based): chr14:104,714,147, C>T. VCF-style: chr14-104714147-C-T. GRCh37 (hg19) VCF-style: chr14-105180484-C-T.
Other names: c.3041-56C>T (NM_001031714.4).
Identifiers: ClinVar variation 681950 (VCV000681950.4), dbSNP rs9672043, ClinGen allele CA13985944.
Genomic context (GRCh38, chr14:104,714,147, plus strand): 5'-TTTCTGGGGAGGAGGTTTTGCAGGGCGTTCAGGTAGACAGCGGAATGGAGGAGGCTGCAC[C>T]TGGGCTGGCTCGGGGGCAGGGTGCCTGCCCTTCACTGGTGTGTCCCTCCATCCAGTGGCC-3'

ClinVar aggregate classification (germline): Benign. Review status: criteria provided, multiple submitters, no conflicts (2 of 4 stars). 3 submissions from 3 submitters: Benign (3). Last evaluated 2024-07-15.

Allele frequency attached by ClinVar (database versions not stated): gnomAD exomes 0.76683; gnomAD 0.79898 and 0.79969; TOPMed 0.81252; 1000 Genomes Project 0.84425; 1000 Genomes Project 30x 0.84666.
gnomAD v4.1: 1,093,194 of 1,418,364 alleles (77%); highest among the groups gnomAD compares: East Asian, 92%; 422,795 homozygotes.

Submissions (3):

Unidad de Genómica Garrahan, Hospital de Pediatría Garrahan
Classification: Benign. Last evaluated: 2024-07-15. Review status: criteria provided, single submitter. Criteria: ACMG Guidelines, 2015. Collection method: clinical testing. Allele origin: germline. Affected: no. Observed: 90 variant alleles.
Comment: This variant is classified as Benign based on local population frequency. This variant was detected in 97% of patients studied in a panel designed for Epileptic and Developmental Encephalopathy and Progressive Myoclonus Epilepsy. Number of patients: 90. Only high quality variants are reported.

GeneDx
Classification: Benign. Last evaluated: 2018-06-14. Review status: criteria provided, single submitter. Criteria: GeneDx Variant Classification (06012015). Collection method: clinical testing. Allele origin: germline. Affected: yes.
Comment: This variant is considered likely benign or benign based on one or more of the following criteria: it is a conservative change, it occurs at a poorly conserved position in the protein, it is predicted to be benign by multiple in silico algorithms, and/or has population frequency not consistent with disease.

Breakthrough Genomics
Classification: Benign. Review status: criteria provided, single submitter. Criteria: ACMG Guidelines, 2015. Collection method: not provided. Allele origin: germline. Inheritance: Autosomal dominant inheritance. Affected: yes.